The following is an entry in ClinVar:

NM_000143.4(FH):c.1187T>G (p.Val396Gly)

Gene: FH (fumarate hydratase; minus strand). Cytogenetic location: 1q43.
Variant type: single nucleotide variant.
Coding change: c.1187T>G on transcript NM_000143.4 (MANE Select); coding-DNA position 1187, T replaced by G.
Protein change: p.Val396Gly; replaces valine 396 with glycine.
Molecular consequence: missense variant.
Genome position (GRCh38, 1-based): chr1:241,502,492, A>C on the plus strand (T>G on the coding strand, the complement: FH is on the minus strand). VCF-style: chr1-241502492-A-C. GRCh37 (hg19) VCF-style: chr1-241665792-A-C.
Other names: short protein forms V396G.
Identifiers: ClinVar variation 1466394 (VCV001466394.8), dbSNP rs1659806206, ClinGen allele CA345437391.

ClinVar aggregate classification (germline): Uncertain significance (1 of 4 stars; one submission).

Submission:

Labcorp Genetics (formerly Invitae), Labcorp
Classification: Uncertain significance. Last evaluated: 2020-11-05. Review status: criteria provided, single submitter. Criteria: Invitae Variant Classification Sherloc (09022015). Collection method: clinical testing. Allele origin: germline.
Comment: This variant has not been reported in the literature in individuals with FH-related conditions. This variant is not present in population databases (ExAC no frequency). This sequence change replaces valine with glycine at codon 396 of the FH protein (p.Val396Gly). The valine residue is moderately conserved and there is a moderate physicochemical difference between valine and glycine. In summary, the available evidence is currently insufficient to determine the role of this variant in disease. Therefore, it has been classified as a Variant of Uncertain Significance. Advanced modeling of protein sequence and biophysical properties (such as structural, functional, and spatial information, amino acid conservation, physicochemical variation, residue mobility, and thermodynamic stability) performed at Invitae indicates that this missense variant is expected to disrupt FH protein function.